The following is an entry in ClinVar:

NM_001953.5(TYMP):c.1443G>A (p.Gln481=)

Genes: SCO2 (synthesis of cytochrome C oxidase 2; minus strand), TYMP (thymidine phosphorylase; minus strand). Cytogenetic location: 22q13.33.
Variant type: single nucleotide variant.
Coding change: c.1443G>A on transcript NM_001953.5 (MANE Select); coding-DNA position 1443, G replaced by A.
Protein change: p.Gln481=; no amino-acid change (glutamine 481 retained).
Molecular consequence: synonymous variant. On other transcripts: intron variant (2).
Genome position (GRCh38, 1-based): chr22:50,525,776, C>T on the plus strand (G>A on the coding strand, the complement: TYMP is on the minus strand). VCF-style: chr22-50525776-C-T. GRCh37 (hg19) VCF-style: chr22-50964205-C-T.
Other names: c.1443G>A, p.Gln481= (NM_001113755.3, NM_001113756.3, NM_001257988.1); c.1458G>A, p.Gln486= (NM_001257989.1); c.-14+470G>A (NM_001169109.2); c.-14+225G>A (NM_001169110.1); c.1443G>A (NM_001953.3).
Identifiers: ClinVar variation 342136 (VCV000342136.53), dbSNP rs377497287, ClinGen allele CA10321390.

ClinVar aggregate classification (germline): Conflicting classifications of pathogenicity. Review status: criteria provided, conflicting classifications (1 of 4 stars). 9 submissions from 9 submitters: Uncertain significance (1); Likely benign (5). 3 of the submissions do not count toward it. Last evaluated 2026-07-01.

Conditions:
Mitochondrial DNA depletion syndrome 1. Also called: Mitochondrial neurogastrointestinal encephalomyopathy syndrome; Mitochondrial Neurogastrointestinal Encephalopathy Disease; MITOCHONDRIAL NEUROGASTROINTESTINAL ENCEPHALOPATHY SYNDROME, TYMP-RELATED; MNGIE, TYMP-RELATED; POLIP SYNDROME; POLYNEUROPATHY, OPHTHALMOPLEGIA, LEUKOENCEPHALOPATHY, AND INTESTINAL PSEUDOOBSTRUCTION. Identifiers: Orphanet 298, MedGen C4551995, MONDO:0011283, OMIM 603041.
TYMP-related disorder. Also called: TYMP-related condition.
Mitochondrial neurogastrointestinal encephalomyopathy. Also called: Mitochondrial neurogastrointestinal encephalopathy syndrome; MNGIE syndrome; Thymidine phosphorylase deficiency. Identifiers: Orphanet 298, MedGen C0872218, MONDO:0017575.

Allele frequency attached by ClinVar (database versions not stated): gnomAD 0.00029 and 0.00030; TOPMed 0.00019; gnomAD exomes 0.00033 and 0.00030; ExAC 0.00040; ESP Exome Variant Server 0.00016.
gnomAD v4.1: 481 of 1,610,708 alleles (0.03%); highest among the groups gnomAD compares: Non-Finnish European, 0.03%; no homozygotes.

Submissions (9):

CeGaT Center for Human Genetics Tuebingen
Classification: Likely benign. Last evaluated: 2026-07-01. Review status: criteria provided, single submitter. Criteria: CeGaT Center For Human Genetics Tuebingen Variant Classification Criteria Version 2. Collection method: clinical testing. Allele origin: germline. Affected: yes. Observed: 4 variant alleles.
Comment: TYMP: BP4, BP7

Labcorp Genetics (formerly Invitae), Labcorp
Classification: Likely benign. Last evaluated: 2026-02-01. Review status: criteria provided, single submitter. Criteria: Invitae Variant Classification Sherloc (09022015). Collection method: clinical testing. Allele origin: germline.

Laboratory of Genetics, Children's Clinical University Hospital Latvia
Classification: Likely benign. Last evaluated: 2025-02-16. Review status: criteria provided, single submitter. Criteria: ACMG Guidelines, 2015. Collection method: clinical testing. Allele origin: germline. Affected: yes.

Blueprint Genetics
Classification: Likely benign. Last evaluated: 2024-11-23. Review status: criteria provided, single submitter. Criteria: ACMG Guidelines, 2015. Collection method: clinical testing. Allele origin: germline.

GeneDx
Classification: Likely benign. Last evaluated: 2018-11-04. Review status: criteria provided, single submitter. Criteria: GeneDx Variant Classification Process June 2021. Collection method: clinical testing. Allele origin: germline. Affected: yes.

Illumina Laboratory Services, Illumina
Classification: Uncertain significance for Mitochondrial DNA depletion syndrome 1. Last evaluated: 2018-01-13. Review status: criteria provided, single submitter. Criteria: ICSL Variant Classification Criteria 13 December 2019. Collection method: clinical testing. Allele origin: germline.

PreventionGenetics, part of Exact Sciences
Classification: Likely benign for TYMP-related condition. Last evaluated: 2024-07-17. Review status: no assertion criteria provided. Collection method: clinical testing. Allele origin: germline. Not counted in ClinVar's aggregate classification.
Comment: This variant is classified as likely benign based on ACMG/AMP sequence variant interpretation guidelines (Richards et al. 2015 PMID: 25741868, with internal and published modifications).

Natera, Inc.
Classification: Likely benign for Mitochondrial neurogastrointestinal encephalomyopathy. Last evaluated: 2020-06-05. Review status: no assertion criteria provided. Collection method: clinical testing. Allele origin: germline. Not counted in ClinVar's aggregate classification.

Mayo Clinic Laboratories, Mayo Clinic
Classification: Likely benign. Last evaluated: 2016-02-26. Review status: no assertion criteria provided. Collection method: clinical testing. Allele origin: unknown. Not counted in ClinVar's aggregate classification.